The following is an entry in ClinVar:

NM_144999.4(LRRC45):c.1745G>A (p.Arg582Gln)

Gene: LRRC45 (leucine rich repeat containing 45; plus strand). Cytogenetic location: 17q25.3.
Variant type: single nucleotide variant.
Coding change: c.1745G>A on transcript NM_144999.4 (MANE Select); coding-DNA position 1745, G replaced by A.
Protein change: p.Arg582Gln; replaces arginine 582 with glutamine.
Molecular consequence: missense variant.
Genome position (GRCh38, 1-based): chr17:82,030,395, G>A. VCF-style: chr17-82030395-G-A. GRCh37 (hg19) VCF-style: chr17-79988271-G-A.
Other names: c.1745G>A (NM_144999.3); short protein forms R582Q.
Identifiers: ClinVar variation 2337611 (VCV002337611.4), dbSNP rs879315306, ClinGen allele CA295136978.

ClinVar aggregate classification (germline): Uncertain significance. Review status: criteria provided, multiple submitters, no conflicts (2 of 4 stars). 2 submissions from 2 submitters: Uncertain significance (2). Last evaluated 2026-06-04.

Conditions:
LRRC45-related disorder. Also called: LRRC45-related condition.

gnomAD v4.1: 57 of 1,549,668 alleles (0.0037%); highest among the groups gnomAD compares: Non-Finnish European, 0.0047%; no homozygotes.

Submissions (2):

PreventionGenetics, part of Exact Sciences
Classification: Uncertain significance for LRRC45-related condition. Last evaluated: 2026-06-04. Review status: criteria provided, single submitter. Criteria: ACMG Guidelines, 2015. Collection method: clinical testing. Allele origin: germline.
Comment: The LRRC45 c.1745G>A variant is predicted to result in the amino acid substitution p.Arg582Gln. To our knowledge, this variant has not been reported in the literature. This variant is reported in 0.0059% of alleles in individuals of African descent in gnomAD. At this time, the clinical significance of this variant is uncertain due to the absence of conclusive functional and genetic evidence.

Ambry Genetics
Classification: Uncertain significance. Last evaluated: 2022-12-19. Review status: criteria provided, single submitter. Criteria: Ambry Variant Classification Scheme 2023. Collection method: clinical testing. Allele origin: germline.